The following is an entry in ClinVar:

ClinVar aggregate classification (germline): Pathogenic/Likely pathogenic. Review status: criteria provided, multiple submitters, no conflicts (2 of 4 stars). 4 submissions from 4 submitters: Pathogenic (1); Likely pathogenic (2). 1 of the submissions does not count toward it. Last evaluated 2025-02-24.

Conditions:
Joubert syndrome. Also called: Familial aplasia of the vermis; JOUBERT-BOLTSHAUSER SYNDROME. Identifiers: Orphanet 475, MedGen C5979921, MONDO:0018772.
Meckel-Gruber syndrome. Also called: DYSENCEPHALIA SPLANCHNOCYSTICA; GRUBER SYNDROME; Dysencephalia splachnocystica. Identifiers: Orphanet 564, MedGen C0265215, MONDO:0018921.
Meckel syndrome, type 5 (MKS5). Identifiers: Orphanet 564, MedGen C1969052, MONDO:0012695, OMIM 611561.
COACH syndrome 3. Identifiers: MedGen C5436841, MONDO:0030862, OMIM 619113.
Joubert syndrome 7 (JBTS7). Identifiers: Orphanet 220497, MedGen C1969053, MONDO:0012694, OMIM 611560.
RPGRIP1L-related disorder. Also called: RPGRIP1L-related condition; RPGRIP1L-related disorders. Identifiers: MedGen CN239416.

Submissions (4):

Natera, Inc.
Classification: Likely pathogenic for Joubert syndrome. Last evaluated: 2025-02-24. Review status: criteria provided, single submitter. Criteria: Natera Variant Classification Schema (03/2026). Collection method: clinical testing. Allele origin: germline.
Comment: The c.2451C>A variant in RPGRIP1L is a nonsense variant predicted to introduce a stop codon at amino acid 817. This variant is expected to result in nonsense mediated decay, truncation, or a dysfunctional protein product. This variant is rare in the general population with a frequency below the threshold expected for the associated phenotype(s). Given the available evidence, this variant is classified as Likely Pathogenic.

Fulgent Genetics
Classification: Likely pathogenic for Joubert syndrome 7; Meckel syndrome, type 5; COACH syndrome 3. Last evaluated: 2024-06-04. Review status: criteria provided, single submitter. Criteria: ACMG Guidelines, 2015. Collection method: clinical testing. Allele origin: germline.

Labcorp Genetics (formerly Invitae), Labcorp
Classification: Pathogenic for Joubert syndrome; Meckel-Gruber syndrome. Last evaluated: 2022-04-16. Review status: criteria provided, single submitter. Criteria: Invitae Variant Classification Sherloc (09022015). Collection method: clinical testing. Allele origin: germline.
Comment: For these reasons, this variant has been classified as Pathogenic. This variant has not been reported in the literature in individuals affected with RPGRIP1L-related conditions. This variant is not present in population databases (gnomAD no frequency). This sequence change creates a premature translational stop signal (p.Tyr817*) in the RPGRIP1L gene. It is expected to result in an absent or disrupted protein product. Loss-of-function variants in RPGRIP1L are known to be pathogenic (PMID: 17558409).

PreventionGenetics, part of Exact Sciences
Classification: Likely pathogenic for RPGRIP1L-related condition. Last evaluated: 2024-08-15. Review status: no assertion criteria provided. Collection method: clinical testing. Allele origin: germline. Not counted in ClinVar's aggregate classification.
Comment: The RPGRIP1L c.2451C>A variant is predicted to result in premature protein termination (p.Tyr817*). To our knowledge, this variant has not been reported in the literature in individuals with RPGRIP1L-related disease, nor has this variant been reported in a large population database, indicating this variant is rare. Nonsense variants in RPGRIP1L are expected to be pathogenic. This variant is interpreted as likely pathogenic.

Literature cited by the submitters: PubMed 17558409 (cited by Labcorp Genetics (formerly Invitae), Labcorp).

NM_015272.5(RPGRIP1L):c.2451C>A (p.Tyr817Ter)

Gene: RPGRIP1L (RPGRIP1 like; minus strand). Cytogenetic location: 16q12.2.
Variant type: single nucleotide variant.
Coding change: c.2451C>A on transcript NM_015272.5 (MANE Select); coding-DNA position 2451, C replaced by A.
Protein change: p.Tyr817Ter; replaces tyrosine 817 with a stop codon.
Molecular consequence: nonsense.
Genome position (GRCh38, 1-based): chr16:53,645,857, G>T on the plus strand (C>A on the coding strand, the complement: RPGRIP1L is on the minus strand). VCF-style: chr16-53645857-G-T. GRCh37 (hg19) VCF-style: chr16-53679769-G-T.
Other names: c.2451C>A, p.Tyr817Ter (NM_001127897.4, NM_001308334.3, NM_001330538.2); c.2451C>A (NM_015272.4); short protein forms Y817*.
Identifiers: ClinVar variation 1457129 (VCV001457129.9), dbSNP rs145807002, ClinGen allele CA395914594.